The following is an entry in ClinVar:

NM_024675.4(PALB2):c.282A>C (p.Glu94Asp)

Gene: PALB2 (partner and localizer of BRCA2; minus strand). Cytogenetic location: 16p12.2.
Variant type: single nucleotide variant.
Coding change: c.282A>C on transcript NM_024675.4 (MANE Select); coding-DNA position 282, A replaced by C.
Protein change: p.Glu94Asp; replaces glutamic acid 94 with aspartic acid.
Molecular consequence: missense variant. On other transcripts: 5 prime UTR variant (8), intron variant (3).
Genome position (GRCh38, 1-based): chr16:23,636,264, T>G on the plus strand (A>C on the coding strand, the complement: PALB2 is on the minus strand). VCF-style: chr16-23636264-T-G. GRCh37 (hg19) VCF-style: chr16-23647585-T-G.
Other names: c.222A>C, p.Glu74Asp (NM_001407296.1); c.282A>C, p.Glu94Asp (NM_001407297.1, NM_001407298.1, NM_001407299.1 and 3 more transcripts); c.-604A>C (NM_001407304.1, NM_001407305.1, NM_001407306.1 and 5 more transcripts); c.48+4846A>C (NM_001407314.1); c.-105+4846A>C (NM_001407313.1, NM_001407312.1); short protein forms E74D, E94D.
Identifiers: ClinVar variation 3228021 (VCV003228021.2), dbSNP rs2142447037, ClinGen allele CA395138838.

ClinVar aggregate classification (germline): Conflicting classifications of pathogenicity. Review status: criteria provided, conflicting classifications (1 of 4 stars). 2 submissions from 2 submitters: Uncertain significance (1); Likely benign (1). Last evaluated 2026-01-31.

Conditions:
Hereditary cancer-predisposing syndrome. Also called: Neoplastic Syndromes, Hereditary; Tumor predisposition; Hereditary neoplastic syndrome; Hereditary Cancer Syndrome. Identifiers: Orphanet 140162, MedGen C0027672, MeSH D009386, MONDO:0015356.
Familial cancer of breast. Also called: BREAST CANCER, FAMILIAL; Hereditary breast cancer; hereditary breast carcinoma. Identifiers: Orphanet 227535, MedGen C0346153, MONDO:0016419, OMIM 114480. Disease mechanism: loss of function.

Submissions (2):

Labcorp Genetics (formerly Invitae), Labcorp
Classification: Uncertain significance for Familial cancer of breast. Last evaluated: 2026-01-31. Review status: criteria provided, single submitter. Criteria: Invitae Variant Classification Sherloc (09022015). Collection method: clinical testing. Allele origin: germline.
Comment: This sequence change replaces glutamic acid, which is acidic and polar, with aspartic acid, which is acidic and polar, at codon 94 of the PALB2 protein (p.Glu94Asp). This variant is not present in population databases (gnomAD no frequency). This variant has not been reported in the literature in individuals affected with PALB2-related conditions. ClinVar contains an entry for this variant (Variation ID: 3228021). An algorithm developed to predict the effect of missense changes on protein structure and function (PolyPhen-2) suggests that this variant is likely to be disruptive. In summary, the available evidence is currently insufficient to determine the role of this variant in disease. Therefore, it has been classified as a Variant of Uncertain Significance.

Ambry Genetics
Classification: Likely benign for Hereditary cancer-predisposing syndrome. Last evaluated: 2024-02-23. Review status: criteria provided, single submitter. Criteria: Ambry Variant Classification Scheme 2023. Collection method: clinical testing. Allele origin: germline.